The following is an entry in ClinVar:

ClinVar aggregate classification (germline): Likely pathogenic (1 of 4 stars; one submission).

Conditions:
Ehlers-Danlos syndrome, type 4 (EDSVASC). Also called: Ehlers-Danlos syndrome vascular type; Ehlers Danlos syndrome, ecchymotic type; Ehlers Danlos syndrome, arterial type; Ehlers Danlos syndrome, Sack-Barabas type; Ehlers-Danlos Syndrome Type IV. Identifiers: Orphanet 286, MedGen C0268338, MONDO:0017314, OMIM 130050.

Submission:

Labcorp Genetics (formerly Invitae), Labcorp
Classification: Likely pathogenic for Ehlers-Danlos syndrome, type 4. Last evaluated: 2024-07-13. Review status: criteria provided, single submitter. Criteria: Invitae Variant Classification Sherloc (09022015). Collection method: clinical testing. Allele origin: germline.
Comment: This sequence change replaces glycine, which is neutral and non-polar, with cysteine, which is neutral and slightly polar, at codon 795 of the COL3A1 protein (p.Gly795Cys). This variant is not present in population databases (gnomAD no frequency). This variant has not been reported in the literature in individuals affected with COL3A1-related conditions. Advanced modeling of protein sequence and biophysical properties (such as structural, functional, and spatial information, amino acid conservation, physicochemical variation, residue mobility, and thermodynamic stability) performed at Invitae indicates that this missense variant is expected to disrupt COL3A1 protein function with a positive predictive value of 95%. This variant disrupts the triple helix domain of COL3A1. Glycine residues within the Gly-Xaa-Yaa repeats of the triple helix domain are required for the structure and stability of fibrillar collagens (PMID: 7695699, 8218237, 19344236). In COL3A1, variants that affect these glycine residues are significantly enriched in individuals with disease (PMID: 24922459, 25758994) compared to the general population (ExAC). In summary, the currently available evidence indicates that the variant is pathogenic, but additional data are needed to prove that conclusively. Therefore, this variant has been classified as Likely Pathogenic.

Literature cited by the submitters: PubMed 7695699; PubMed 8218237; PubMed 19344236; PubMed 24922459; PubMed 25758994.

NM_000090.4(COL3A1):c.2383G>T (p.Gly795Cys)

Genes: COL3A1 (collagen type III alpha 1 chain; plus strand), LOC126806446 (P300/CBP strongly-dependent group 1 enhancer GRCh37_chr2:189866210-189867409; plus strand). Cytogenetic location: 2q32.2.
Variant type: single nucleotide variant.
Coding change: c.2383G>T on transcript NM_000090.4 (MANE Select); coding-DNA position 2383, G replaced by T.
Protein change: p.Gly795Cys; replaces glycine 795 with cysteine.
Molecular consequence: missense variant.
Genome position (GRCh38, 1-based): chr2:189,001,581, G>T. VCF-style: chr2-189001581-G-T. GRCh37 (hg19) VCF-style: chr2-189866307-G-T.
Other names: short protein forms G795C.
Identifiers: ClinVar variation 3625950 (VCV003625950.2).
Genomic context (GRCh38, chr2:189,001,581, plus strand): 5'-CTTCTCTTTTTCCAGGGTGAAGGTGGTGCCCCCGGACTTCCAGGTATAGCTGGACCTCGT[G>T]GTAGCCCTGTAAGTGTTAAAGACATTCTCAACATACTTTTTAACCCCATACAGACAGTAG-3'
Protein context (NP_000081.2, residues 785-805): PGLPGIAGPR[Gly795Cys]SPGERGETGP